The following is an entry in ClinVar:

NC_000008.11:g.67064385_67064399del

Gene: CSPP1 (centrosome and spindle pole associated protein 1; plus strand). Cytogenetic location: 8q13.1.
Variant type: Deletion.
Genome position: GRCh38 VCF-style: chr8-67064384-GCCCGGAGGTCTGTCA-G. GRCh37 (hg19) VCF-style: chr8-67976619-GCCCGGAGGTCTGTCA-G.
Identifiers: ClinVar variation 2200172 (VCV002200172.5), dbSNP rs1304013927, ClinGen allele CA582510399.
Genomic context (GRCh38, chr8:67,064,384, plus strand): 5'-GCCGTACCCGGCGGTTGGCGAAGGGCGAGCGGAGGGCTGGGCCTGAGGGGCGGAGCCCCG[GCCCGGAGGTCTGTCA>G]TGCTGTTCCCGCTCCAGGTGGCCGCTGTAACCTCTTCGGTCCGCGACGATCCTCTAGAGC-3'

ClinVar aggregate classification (germline): Uncertain significance (1 of 4 stars; one submission).

Conditions:
Joubert syndrome 21 (JBTS21). Identifiers: MedGen C3810212, MONDO:0014288, OMIM 615636.

Allele frequency attached by ClinVar (database versions not stated): gnomAD exomes below 0.00001.

Submission:

Labcorp Genetics (formerly Invitae), Labcorp
Classification: Uncertain significance for Joubert syndrome 21. Last evaluated: 2022-07-01. Review status: criteria provided, single submitter. Criteria: Invitae Variant Classification Sherloc (09022015). Collection method: clinical testing. Allele origin: germline.
Comment: In summary, the available evidence is currently insufficient to determine the role of this variant in disease. Therefore, it has been classified as a Variant of Uncertain Significance. Experimental studies and prediction algorithms are not available or were not evaluated, and the functional significance of this variant is currently unknown. This variant has not been reported in the literature in individuals affected with CSPP1-related conditions. This variant is present in population databases (no rsID available, gnomAD 0.01%). This sequence change affects the initiator methionine of the CSPP1 mRNA. The next in-frame methionine is located at codon 37.